The following is an entry in ClinVar:

ClinVar aggregate classification (germline): Uncertain significance (1 of 4 stars; one submission).

Conditions:
Early onset severe obesity. Identifiers: MedGen C4013980.

gnomAD v4.1: 1 of 1,613,752 alleles (0.000062%); highest among the groups gnomAD compares: Non-Finnish European, 0.000085%; no homozygotes.

Submission:

Cambridge Genomics Laboratory, East Genomic Laboratory Hub, NHS Genomic Medicine Service
Classification: Uncertain significance for Severe early-onset obesity. Last evaluated: 2023-11-28. Review status: criteria provided, single submitter. Criteria: ACGS Best Practice Guidelines for Variant Classification in Rare Disease 2020. Collection method: clinical testing. Allele origin: germline. Affected: yes.
Comment: The p.Arg518Lys variant is novel (not in any individuals) in gnomAD All. The p.Arg518Lys variant is novel (not in any individuals) in 1kG All. The p.Arg518Lys variant is novel (not in any individuals) in gnomAD Genomes v3 All. (PM2 - Moderate) | The gene PCSK1 has a low rate of benign missense variation as indicated by a high missense variants Z-Score of 1.47. The gene PCSK1 contains 3 pathogenic missense variants, indicating that missense variants are a common mechanism of disease in this gene. (PP2 - Supporting) | There are no benign variants within 3 amino acid positions of the variant p.Arg518Lys. (PM1_Supporting - Supporting) | The p.Arg518Lys missense variant is predicted to be damaging by both SIFT and PolyPhen2. The arginine residue at codon 518 of PCSK1 is conserved in all mammalian species. The nucleotide c.1553 in PCSK1 is predicted conserved by GERP++ and PhyloP across 100 vertebrates. (PP3 - Supporting)

NM_000439.5(PCSK1):c.1553G>A (p.Arg518Lys)

Genes: PCSK1 (proprotein convertase subtilisin/kexin type 1; minus strand), CAST (calpastatin; plus strand), LOC101929710 (uncharacterized LOC101929710; plus strand). Cytogenetic location: 5q15.
Variant type: single nucleotide variant.
Coding change: c.1553G>A on transcript NM_000439.5 (MANE Select); coding-DNA position 1553, G replaced by A.
Protein change: p.Arg518Lys; replaces arginine 518 with lysine.
Molecular consequence: missense variant. On other transcripts: intron variant (11).
Genome position (GRCh38, 1-based): chr5:96,398,914, C>T on the plus strand (G>A on the coding strand, the complement: PCSK1 is on the minus strand). VCF-style: chr5-96398914-C-T. GRCh37 (hg19) VCF-style: chr5-95734618-C-T.
Other names: c.-175+19262C>T (NM_001423256.1, NM_001423252.1, NM_001423257.1 and 6 more transcripts); c.-40+19262C>T (NM_001423258.1); c.1412G>A, p.Arg471Lys (NM_001177875.2); c.-103+19262C>T (NM_001423253.1); short protein forms R471K, R518K.
Identifiers: ClinVar variation 4812859 (VCV004812859.1).